The following is an entry in ClinVar:

ClinVar aggregate classification (germline): Conflicting classifications of pathogenicity. Review status: criteria provided, conflicting classifications (1 of 4 stars). 2 submissions from 2 submitters: Uncertain significance (1); Likely benign (1). Last evaluated 2026-05-11.

Conditions:
Cardiovascular phenotype. Identifiers: MedGen CN230736.

Allele frequency attached by ClinVar (database versions not stated): ESP Exome Variant Server 0.00008; TOPMed below 0.00001.

Submissions (2):

Ambry Genetics
Classification: Likely benign for Cardiovascular phenotype. Last evaluated: 2026-05-11. Review status: criteria provided, single submitter. Criteria: Ambry Variant Classification Scheme 2023. Collection method: clinical testing. Allele origin: germline.

Labcorp Genetics (formerly Invitae), Labcorp
Classification: Uncertain significance. Last evaluated: 2024-11-06. Review status: criteria provided, single submitter. Criteria: Invitae Variant Classification Sherloc (09022015). Collection method: clinical testing. Allele origin: germline.
Comment: This sequence change replaces proline, which is neutral and non-polar, with serine, which is neutral and polar, at codon 27 of the ALPK3 protein (p.Pro27Ser). The frequency data for this variant in the population databases is considered unreliable, as metrics indicate poor data quality at this position in the gnomAD database. This variant has not been reported in the literature in individuals affected with ALPK3-related conditions. ClinVar contains an entry for this variant (Variation ID: 2625920). An algorithm developed to predict the effect of missense changes on protein structure and function (PolyPhen-2) suggests that this variant is likely to be tolerated. In summary, the available evidence is currently insufficient to determine the role of this variant in disease. Therefore, it has been classified as a Variant of Uncertain Significance.

NC_000015.10:g.84816925C>T

Gene: ALPK3 (alpha kinase 3; plus strand). Cytogenetic location: 15q25.3.
Variant type: single nucleotide variant.
Genome position: GRCh38 VCF-style: chr15-84816925-C-T. GRCh37 (hg19) VCF-style: chr15-85360156-C-T.
Other names: short protein forms P27S.
Identifiers: ClinVar variation 2625920 (VCV002625920.5), dbSNP rs139583474, ClinGen allele CA7708787.
Genomic context (GRCh38, chr15:84,816,925, plus strand): 5'-GTCTATGTGCTGGGCCAACAGCCACTGGCGAGGCAAGGCGAGGGTCAGTCACGGCTGGTG[C>T]CAGGAAGAGGGCTGGTTCTTTGGCTCCCTGGTCTCCCGCGGTCTAGCCCAAGCTGGCCAG-3'